The following is an entry in ClinVar:

NM_000059.4(BRCA2):c.1874T>C (p.Phe625Ser)

Gene: BRCA2 (BRCA2 DNA repair associated; plus strand). Cytogenetic location: 13q13.1.
Variant type: single nucleotide variant.
Coding change: c.1874T>C on transcript NM_000059.4 (MANE Select); coding-DNA position 1874, T replaced by C.
Protein change: p.Phe625Ser; replaces phenylalanine 625 with serine.
Molecular consequence: missense variant.
Genome position (GRCh38, 1-based): chr13:32,333,352, T>C. VCF-style: chr13-32333352-T-C. GRCh37 (hg19) VCF-style: chr13-32907489-T-C.
Other names: short protein forms F625S.
Identifiers: ClinVar variation 642111 (VCV000642111.11), dbSNP rs587779359, ClinGen allele CA387766610.

ClinVar aggregate classification (germline): Conflicting classifications of pathogenicity. Review status: criteria provided, conflicting classifications (1 of 4 stars). 3 submissions from 3 submitters: Uncertain significance (2); Likely benign (1). Last evaluated 2024-05-08.

Conditions:
Hereditary cancer-predisposing syndrome. Also called: Neoplastic Syndromes, Hereditary; Tumor predisposition; Hereditary neoplastic syndrome; Hereditary Cancer Syndrome. Identifiers: Orphanet 140162, MedGen C0027672, MeSH D009386, MONDO:0015356.
Hereditary breast ovarian cancer syndrome. Also called: Hereditary breast and ovarian cancer; Hereditary breast and ovarian cancer syndrome; Hereditary breast and ovarian cancer syndrome (HBOC); Hereditary breast and/or ovarian cancer syndrome; Breast and ovarian cancer; BRCA1- and BRCA2-Associated Hereditary Breast and Ovarian Cancer. Identifiers: Orphanet 145, MedGen C0677776, MeSH D061325, MONDO:0003582. Disease mechanism: loss of function.

Submissions (3):

Ambry Genetics
Classification: Uncertain significance for Hereditary cancer-predisposing syndrome. Last evaluated: 2024-05-08. Review status: criteria provided, single submitter. Criteria: Ambry Variant Classification Scheme 2023. Collection method: clinical testing. Allele origin: germline.
Comment: The p.F625S variant (also known as c.1874T>C), located in coding exon 9 of the BRCA2 gene, results from a T to C substitution at nucleotide position 1874. The phenylalanine at codon 625 is replaced by serine, an amino acid with highly dissimilar properties. This variant was detected in 0/143 with breast cancer and 1/382 with ovarian cancer from Peru (Ferreyra Y et al. Front Oncol, 2023 Aug;13:1227864). This amino acid position is not well conserved in available vertebrate species. In addition, this alteration is predicted to be tolerated by in silico analysis. Based on the available evidence, the clinical significance of this variant remains unclear.

University of Washington Department of Laboratory Medicine, University of Washington
Classification: Likely benign for Hereditary cancer-predisposing syndrome. Last evaluated: 2023-03-23. Review status: criteria provided, single submitter. Criteria: Dines et al. (Genet Med. 2020). Collection method: curation. Allele origin: germline.
Comment: Missense variant in a coldspot region where missense variants are very unlikely to be pathogenic (PMID:31911673).

BRCA2 exon 10 coldspot. Reclassification based on statistical prior probability.

Labcorp Genetics (formerly Invitae), Labcorp
Classification: Uncertain significance for Hereditary breast ovarian cancer syndrome. Last evaluated: 2021-12-11. Review status: criteria provided, single submitter. Criteria: Invitae Variant Classification Sherloc (09022015). Collection method: clinical testing. Allele origin: germline.
Comment: In summary, the available evidence is currently insufficient to determine the role of this variant in disease. Therefore, it has been classified as a Variant of Uncertain Significance. Advanced modeling of protein sequence and biophysical properties (such as structural, functional, and spatial information, amino acid conservation, physicochemical variation, residue mobility, and thermodynamic stability) performed at Invitae indicates that this missense variant is not expected to disrupt BRCA2 protein function. ClinVar contains an entry for this variant (Variation ID: 642111). This variant has not been reported in the literature in individuals affected with BRCA2-related conditions. This variant is not present in population databases (gnomAD no frequency). This sequence change replaces phenylalanine, which is neutral and non-polar, with serine, which is neutral and polar, at codon 625 of the BRCA2 protein (p.Phe625Ser).

Literature cited by the submitters: PubMed 37664050 (cited by Ambry Genetics).